The following is an entry in ClinVar:

ClinVar aggregate classification (germline): Conflicting classifications of pathogenicity. Review status: criteria provided, conflicting classifications (1 of 4 stars). 2 submissions from 2 submitters: Likely pathogenic (1); Uncertain significance (1). Last evaluated 2025-06-24.

Conditions:
Argininosuccinate lyase deficiency. Also called: ARGININOSUCCINIC ACID LYASE DEFICIENCY; ASL DEFICIENCY; Argininosuccinic aciduria. Identifiers: Orphanet 23, MedGen C0268547, MONDO:0008815, OMIM 207900, HP:0025630.

Allele frequency attached by ClinVar (database versions not stated): gnomAD exomes below 0.00001; TOPMed below 0.00001; ExAC 0.00001.

Submissions (2):

Women's Health and Genetics/Laboratory Corporation of America, LabCorp
Classification: Uncertain significance. Last evaluated: 2025-06-24. Review status: criteria provided, single submitter. Criteria: LabCorp Variant Classification Summary - May 2015. Collection method: clinical testing. Allele origin: germline.
Comment: Variant summary: ASL c.674T>C (p.Ile225Thr) results in a non-conservative amino acid change located in the Tyrosinase copper-binding domain (IPR002227) of the encoded protein sequence. Algorithms developed to predict the effect of missense changes on protein structure and function all suggest that this variant is likely to be disruptive. The variant allele was found at a frequency of 8e-06 in 251326 control chromosomes. The available data on variant occurrences in the general population are insufficient to allow any conclusion about variant significance. To our knowledge, no occurrence of c.674T>C in individuals affected with Argininosuccinic Aciduria and no experimental evidence demonstrating its impact on protein function have been reported. ClinVar contains an entry for this variant (Variation ID: 2806306). Based on the evidence outlined above, the variant was classified as uncertain significance.

Labcorp Genetics (formerly Invitae), Labcorp
Classification: Likely pathogenic for Argininosuccinate lyase deficiency. Last evaluated: 2023-01-17. Review status: criteria provided, single submitter. Criteria: Invitae Variant Classification Sherloc (09022015). Collection method: clinical testing. Allele origin: germline.
Comment: This variant has not been reported in the literature in individuals affected with ASL-related conditions. This variant is present in population databases (rs774703196, gnomAD 0.003%). This sequence change replaces isoleucine, which is neutral and non-polar, with threonine, which is neutral and polar, at codon 225 of the ASL protein (p.Ile225Thr). In summary, the currently available evidence indicates that the variant is pathogenic, but additional data are needed to prove that conclusively. Therefore, this variant has been classified as Likely Pathogenic. This variant disrupts the p.Ile225 amino acid residue in ASL. Other variant(s) that disrupt this residue have been determined to be pathogenic (Invitae). This suggests that this residue is clinically significant, and that variants that disrupt this residue are likely to be disease-causing. Advanced modeling of protein sequence and biophysical properties (such as structural, functional, and spatial information, amino acid conservation, physicochemical variation, residue mobility, and thermodynamic stability) performed at Invitae indicates that this missense variant is expected to disrupt ASL protein function.

NM_000048.4(ASL):c.674T>C (p.Ile225Thr)

Gene: ASL (argininosuccinate lyase; plus strand). Cytogenetic location: 7q11.21.
Variant type: single nucleotide variant.
Coding change: c.674T>C on transcript NM_000048.4 (MANE Select); coding-DNA position 674, T replaced by C.
Protein change: p.Ile225Thr; replaces isoleucine 225 with threonine.
Molecular consequence: missense variant.
Genome position (GRCh38, 1-based): chr7:66,087,747, T>C. VCF-style: chr7-66087747-T-C. GRCh37 (hg19) VCF-style: chr7-65552734-T-C.
Other names: c.674T>C, p.Ile225Thr (NM_001024943.2, NM_001024944.2); c.596T>C, p.Ile199Thr (NM_001024946.2); short protein forms I199T, I225T.
Identifiers: ClinVar variation 2806306 (VCV002806306.5), dbSNP rs774703196, ClinGen allele CA4277097.